The following is an entry in ClinVar:

NM_001103146.3(GIGYF2):c.2150C>T (p.Thr717Met)

Gene: GIGYF2 (GRB10 interacting GYF protein 2; plus strand). Cytogenetic location: 2q37.1.
Variant type: single nucleotide variant.
Coding change: c.2150C>T on transcript NM_001103146.3 (MANE Select); coding-DNA position 2150, C replaced by T.
Protein change: p.Thr717Met; replaces threonine 717 with methionine.
Molecular consequence: missense variant. On other transcripts: non-coding transcript variant (1).
Genome position (GRCh38, 1-based): chr2:232,815,679, C>T. VCF-style: chr2-232815679-C-T. GRCh37 (hg19) VCF-style: chr2-233680389-C-T.
Other names: c.2213C>T, p.Thr738Met (NM_001103147.2); c.2132C>T, p.Thr711Met (NM_001103148.2); c.2150C>T, p.Thr717Met (NM_015575.4); short protein forms T711M, T717M, T738M.
Identifiers: ClinVar variation 4987491 (VCV004987491.1).

ClinVar aggregate classification (germline): Uncertain significance (1 of 4 stars; one submission).

Conditions:
GIGYF2-related disorder. Also called: GIGYF2-related condition.

gnomAD v4.1: 13 of 1,608,006 alleles (0.00081%); highest among the groups gnomAD compares: South Asian, 0.0033%; no homozygotes.

Submission:

PreventionGenetics, part of Exact Sciences
Classification: Uncertain significance for GIGYF2-related condition. Last evaluated: 2026-09-04. Review status: criteria provided, single submitter. Criteria: ACMG Guidelines, 2015. Collection method: clinical testing. Allele origin: germline.
Comment: The GIGYF2 c.2150C>T variant is predicted to result in the amino acid substitution p.Thr717Met. To our knowledge, this variant has not been reported in the literature. This variant is reported in 0.0065% of alleles in individuals of South Asian descent in gnomAD. At this time, the clinical significance of this variant is uncertain due to the absence of conclusive functional and genetic evidence.